The following is an entry in ClinVar:

NM_001378743.1(CYLD):c.2156T>C (p.Met719Thr)

Genes: CYLD (CYLD lysine 63 deubiquitinase; plus strand), CYLD-AS2 (CYLD antisense RNA 2; minus strand). Cytogenetic location: 16q12.1.
Variant type: single nucleotide variant.
Coding change: c.2156T>C on transcript NM_001378743.1 (MANE Select); coding-DNA position 2156, T replaced by C.
Protein change: p.Met719Thr; replaces methionine 719 with threonine.
Molecular consequence: missense variant. On other transcripts: non-coding transcript variant (1).
Genome position (GRCh38, 1-based): chr16:50,791,605, T>C. VCF-style: chr16-50791605-T-C. GRCh37 (hg19) VCF-style: chr16-50825516-T-C.
Other names: c.2147T>C, p.Met716Thr (NM_001378747.1, NM_001378748.1, NM_001378749.1 and 6 more transcripts); c.2117T>C, p.Met706Thr (NM_001378751.1, NM_001378752.1, NM_001378753.1); c.1481T>C, p.Met494Thr (NM_001378754.1, NM_001378755.1); c.2156T>C, p.Met719Thr (NM_015247.3); short protein forms M494T, M706T, M716T, M719T.
Identifiers: ClinVar variation 4855183 (VCV004855183.1).

ClinVar aggregate classification (germline): Uncertain significance (1 of 4 stars; one submission).

Conditions:
Frontotemporal dementia and/or amyotrophic lateral sclerosis 8. Identifiers: MedGen C5436881, MONDO:0030872, OMIM 619132.

Submission:

3billion
Classification: Uncertain significance for Frontotemporal dementia and/or amyotrophic lateral sclerosis 8. Last evaluated: 2025-11-05. Review status: criteria provided, single submitter. Criteria: ACMG Guidelines, 2015. Collection method: clinical testing. Allele origin: germline. Affected: yes.
Comment: The variant is not observed in the gnomAD v4.1.0 dataset. Predicted Consequence/Location: Missense variant A different missense change at the same codon (p.Met719Val) has been reported as pathogenic/likely pathogenic with strong evidence (ClinVar ID: VCV000992597 /PMID: 32185393). Therefore, this variant is classified as VUS according to the recommendation of ACMG/AMP guideline.

Literature cited by the submitters: PubMed 32185393.